The following is an entry in ClinVar:

ClinVar aggregate classification (germline): Uncertain significance. Review status: criteria provided, multiple submitters, no conflicts (2 of 4 stars). 5 submissions from 5 submitters: Uncertain significance (4). 1 of the submissions does not count toward it. Last evaluated 2026-09-17.

Conditions:
Citrullinemia. Identifiers: Orphanet 187, MedGen C0175683, MONDO:0015991.
Citrin deficiency. Identifiers: Orphanet 247582, MedGen C1997910, MONDO:0016602.
SLC25A13-related disorder. Also called: SLC25A13-related condition.

Allele frequency attached by ClinVar (database versions not stated): gnomAD 0.00001; gnomAD exomes 0.00002; TOPMed 0.00002; ExAC 0.00003; ESP Exome Variant Server 0.00008.
gnomAD v4.1: 18 of 1,613,982 alleles (0.0011%); highest among the groups gnomAD compares: South Asian, 0.0077%; no homozygotes.

Submissions (5):

PreventionGenetics, part of Exact Sciences
Classification: Uncertain significance for SLC25A13-related condition. Last evaluated: 2026-09-17. Review status: criteria provided, single submitter. Criteria: ACMG Guidelines, 2015. Collection method: clinical testing. Allele origin: germline.
Comment: The SLC25A13 c.874C>T variant is predicted to result in the amino acid substitution p.Arg292Trp. This variant has been reported in the compound heterozygous state with a pathogenic frameshift variant in a high-risk child undergoing sequencing for inborn error of metabolism (Table 5, Zhang et al. 2024. PubMed ID: 38582244). This variant is reported in 0.013% of alleles in individuals of South Asian descent in gnomAD. At this time, the clinical significance of this variant is uncertain due to the absence of conclusive functional and genetic evidence.

GeneDx
Classification: Uncertain significance. Last evaluated: 2023-06-20. Review status: criteria provided, single submitter. Criteria: GeneDx Variant Classification Process June 2021. Collection method: clinical testing. Allele origin: germline. Affected: yes.
Comment: Reported as a variant of uncertain significance in an individual with uterine corpus endometrial carcinoma (Huang KL et al., 2018); In silico analysis supports that this missense variant has a deleterious effect on protein structure/function; Not observed at significant frequency in large population cohorts (gnomAD); This variant is associated with the following publications: (PMID: 36451132, 29625052)

Labcorp Genetics (formerly Invitae), Labcorp
Classification: Uncertain significance for Citrin deficiency. Last evaluated: 2021-11-01. Review status: criteria provided, single submitter. Criteria: Invitae Variant Classification Sherloc (09022015). Collection method: clinical testing. Allele origin: germline.
Comment: This sequence change replaces arginine, which is basic and polar, with tryptophan, which is neutral and slightly polar, at codon 292 of the SLC25A13 protein (p.Arg292Trp). This variant is present in population databases (rs142308242, gnomAD 0.01%). This missense change has been observed in individual(s) with citrin deficiency (Invitae). In at least one individual the data is consistent with the variant being in trans (on the opposite chromosome) from a pathogenic variant. ClinVar contains an entry for this variant (Variation ID: 594933). Algorithms developed to predict the effect of missense changes on protein structure and function are either unavailable or do not agree on the potential impact of this missense change (SIFT: "Deleterious"; PolyPhen-2: "Possibly Damaging"; Align-GVGD: "Class C0"). In summary, the available evidence is currently insufficient to determine the role of this variant in disease. Therefore, it has been classified as a Variant of Uncertain Significance.

Eurofins Ntd Llc (ga)
Classification: Uncertain significance. Last evaluated: 2017-11-09. Review status: criteria provided, single submitter. Criteria: EGL Classification Definitions 2015. Collection method: clinical testing. Allele origin: germline. Observed: 1 variant allele, 1 heterozygote.

Natera, Inc.
Classification: Uncertain significance for Citrullinemia. Last evaluated: 2019-11-11. Review status: no assertion criteria provided. Collection method: clinical testing. Allele origin: germline. Not counted in ClinVar's aggregate classification.

NM_014251.3(SLC25A13):c.874C>T (p.Arg292Trp)

Gene: SLC25A13 (solute carrier family 25 member 13; minus strand). Cytogenetic location: 7q21.3.
Variant type: single nucleotide variant.
Coding change: c.874C>T on transcript NM_014251.3 (MANE Select); coding-DNA position 874, C replaced by T.
Protein change: p.Arg292Trp; replaces arginine 292 with tryptophan.
Molecular consequence: missense variant. On other transcripts: non-coding transcript variant (1).
Genome position (GRCh38, 1-based): chr7:96,189,353, G>A on the plus strand (C>T on the coding strand, the complement: SLC25A13 is on the minus strand). VCF-style: chr7-96189353-G-A. GRCh37 (hg19) VCF-style: chr7-95818665-G-A.
Other names: c.874C>T, p.Arg292Trp (NM_001160210.2); short protein forms R292W.
Identifiers: ClinVar variation 594933 (VCV000594933.10), dbSNP rs142308242, ClinGen allele CA4353113.